The following is an entry in ClinVar:

NM_015274.3(MAN2B2):c.2429C>T (p.Thr810Met)

Gene: MAN2B2 (mannosidase alpha class 2B member 2; plus strand). Cytogenetic location: 4p16.1.
Variant type: single nucleotide variant.
Coding change: c.2429C>T on transcript NM_015274.3 (MANE Select); coding-DNA position 2429, C replaced by T.
Protein change: p.Thr810Met; replaces threonine 810 with methionine.
Molecular consequence: missense variant.
Genome position (GRCh38, 1-based): chr4:6,611,144, C>T. VCF-style: chr4-6611144-C-T. GRCh37 (hg19) VCF-style: chr4-6612871-C-T.
Other names: c.2276C>T, p.Thr759Met (NM_001292038.2); short protein forms T759M, T810M.
Identifiers: ClinVar variation 3050702 (VCV003050702.4), dbSNP rs150252839, ClinGen allele CA2841323.

ClinVar aggregate classification (germline): Likely benign. Review status: criteria provided, multiple submitters, no conflicts (2 of 4 stars). 3 submissions from 3 submitters: Likely benign (2). 1 of the submissions does not count toward it. Last evaluated 2026-09-01.

Conditions:
MAN2B2-related disorder. Also called: MAN2B2-related condition; MAN2B2-Related Disorders.

Allele frequency attached by ClinVar (database versions not stated): 1000 Genomes Project 0.00060; 1000 Genomes Project 30x 0.00062; ExAC 0.00207; TOPMed 0.00230; gnomAD 0.00238; ESP Exome Variant Server 0.00361; gnomAD exomes 0.00386.
gnomAD v4.1: 5,925 of 1,613,934 alleles (0.37%); highest among the groups gnomAD compares: Non-Finnish European, 0.47%; 20 homozygotes.

Submissions (3):

CeGaT Center for Human Genetics Tuebingen
Classification: Likely benign. Last evaluated: 2026-09-01. Review status: criteria provided, single submitter. Criteria: CeGaT Center For Human Genetics Tuebingen Variant Classification Criteria Version 2. Collection method: clinical testing. Allele origin: germline. Affected: yes. Observed: 1 variant allele.
Comment: MAN2B2: BS2

Women's Health and Genetics/Laboratory Corporation of America, LabCorp
Classification: Likely benign. Last evaluated: 2026-02-11. Review status: criteria provided, single submitter. Criteria: LabCorp Variant Classification Summary - May 2015. Collection method: clinical testing. Allele origin: germline.
Comment: Variant summary: MAN2B2 c.2429C>T (p.Thr810Met) results in a non-conservative amino acid change in the encoded protein sequence. Algorithms developed to predict the effect of missense changes on protein structure and function all suggest that this variant is likely to be disruptive. The variant allele was found at a frequency of 0.0037 in 1606960 control chromosomes, predominantly at a frequency of 0.0047 within the Non-Finnish European subpopulation in the gnomAD database, including 19 homozygotes. The observed variant frequency within Non-Finnish European control individuals in the gnomAD database exceeds the estimated maximal expected allele frequency for disease-causing variants in MAN2B2. To our knowledge, no occurrence of c.2429C>T in individuals affected with MAN2B2-related conditions and no experimental evidence demonstrating its impact on protein function have been reported. ClinVar contains an entry for this variant (Variation ID: 3050702). Based on the evidence outlined above, the variant was classified as likely benign.

PreventionGenetics, part of Exact Sciences
Classification: Likely benign for MAN2B2-related condition. Last evaluated: 2022-12-13. Review status: no assertion criteria provided. Collection method: clinical testing. Allele origin: germline. Not counted in ClinVar's aggregate classification.
Comment: This variant is classified as likely benign based on ACMG/AMP sequence variant interpretation guidelines (Richards et al. 2015 PMID: 25741868, with internal and published modifications).